The following is an entry in ClinVar:

ClinVar aggregate classification (germline): Uncertain significance. Review status: criteria provided, multiple submitters, no conflicts (2 of 4 stars). 2 submissions from 2 submitters: Uncertain significance (2). Last evaluated 2024-01-31.

Conditions:
Ovarian cancer. Also called: OVARIAN CANCER, SOMATIC. Identifiers: Orphanet 213500, MedGen C1140680, MONDO:0008170, OMIM 167000.
Lung cancer. Also called: Lung cancer, somatic; Malignant tumor of lung. Identifiers: MedGen C0242379, MONDO:0008903, OMIM 211980.
Gastric cancer. Also called: Stomach cancer; Malignant tumor of stomach. Identifiers: MedGen C0024623, MeSH D013274, MONDO:0001056, OMIM 613659, HP:0012126.
Glioma susceptibility 1 (GLM1). Also called: Glioblastoma, somatic. Identifiers: MedGen C2750850, MONDO:0024498, OMIM 137800.
Visceral neuropathy, familial, 2, autosomal recessive. Identifiers: MedGen C5561950, MONDO:0030399, OMIM 619465.

Allele frequency attached by ClinVar (database versions not stated): ExAC 0.00003.
gnomAD v4.1: 77 of 1,605,920 alleles (0.0048%); highest among the groups gnomAD compares: Non-Finnish European, 0.006%; no homozygotes.

Submissions (2):

Fulgent Genetics
Classification: Uncertain significance for Glioma susceptibility 1; Ovarian cancer; Lung cancer; Gastric cancer; Visceral neuropathy, familial, 2, autosomal recessive. Last evaluated: 2024-01-31. Review status: criteria provided, single submitter. Criteria: ACMG Guidelines, 2015. Collection method: clinical testing. Allele origin: germline.

Labcorp Genetics (formerly Invitae), Labcorp
Classification: Uncertain significance. Last evaluated: 2022-11-29. Review status: criteria provided, single submitter. Criteria: Invitae Variant Classification Sherloc (09022015). Collection method: clinical testing. Allele origin: germline.
Comment: In summary, the available evidence is currently insufficient to determine the role of this variant in disease. Therefore, it has been classified as a Variant of Uncertain Significance. This sequence change replaces arginine, which is basic and polar, with glutamine, which is neutral and polar, at codon 517 of the ERBB2 protein (p.Arg517Gln). The frequency data for this variant in the population databases is considered unreliable, as metrics indicate poor data quality at this position in the gnomAD database. This missense change has been observed in individual(s) with clinical features of ERBB2-related conditions (PMID: 31115453). Advanced modeling of protein sequence and biophysical properties (such as structural, functional, and spatial information, amino acid conservation, physicochemical variation, residue mobility, and thermodynamic stability) performed at Invitae indicates that this missense variant is not expected to disrupt ERBB2 protein function.

Literature cited by the submitters: PubMed 31115453 (cited by Labcorp Genetics (formerly Invitae), Labcorp).

NM_004448.4(ERBB2):c.1550G>A (p.Arg517Gln)

Gene: ERBB2 (erb-b2 receptor tyrosine kinase 2; plus strand). Cytogenetic location: 17q12.
Variant type: single nucleotide variant.
Coding change: c.1550G>A on transcript NM_004448.4 (MANE Select); coding-DNA position 1550, G replaced by A.
Protein change: p.Arg517Gln; replaces arginine 517 with glutamine.
Molecular consequence: missense variant. On other transcripts: non-coding transcript variant (1), intron variant (1).
Genome position (GRCh38, 1-based): chr17:39,716,337, G>A. VCF-style: chr17-39716337-G-A. GRCh37 (hg19) VCF-style: chr17-37872590-G-A.
Other names: c.1550G>A, p.Arg517Gln (NM_001382785.1, NM_001382790.1, NM_001382792.1 and 11 more transcripts); c.1667G>A, p.Arg556Gln (NM_001382786.1, NM_001382784.1); c.1625G>A, p.Arg542Gln (NM_001382787.1); c.1580G>A, p.Arg527Gln (NM_001382788.1); c.1571G>A, p.Arg524Gln (NM_001382789.1); c.1541G>A, p.Arg514Gln (NM_001382791.1); c.1460G>A, p.Arg487Gln (NM_001005862.3, NM_001289938.2, NM_001382782.1 and 1 more transcripts); c.1505G>A, p.Arg502Gln (NM_001289936.2); and 4 more; short protein forms R241Q, R487Q, R502Q, R514Q, R517Q, R457Q, R556Q, R431Q.
Identifiers: ClinVar variation 2885022 (VCV002885022.4), dbSNP rs759579850, ClinGen allele CA8534019.
Genomic context (GRCh38, chr17:39,716,337, plus strand): 5'-GCGGTCCCTTCCTCCTCACTGCAGTGGGCGAGGGCCTGGCCTGCCACCAGCTGTGCGCCC[G>A]AGGGCACTGCTGGGGTCCAGGGCCCACCCAGTGTGTCAACTGCAGCCAGTTCCTTCGGGG-3'
Protein context (NP_004439.2, residues 507-527): EGLACHQLCA[Arg517Gln]GHCWGPGPTQ